The following is an entry in ClinVar:

NM_000037.4(ANK1):c.1998+3A>C

Gene: ANK1 (ankyrin 1; minus strand). Cytogenetic location: 8p11.21.
Variant type: single nucleotide variant.
Coding change: c.1998+3A>C on transcript NM_000037.4 (MANE Select); 3 bases into the intron after coding-DNA position 1998, A replaced by C.
Molecular consequence: intron variant.
Genome position (GRCh38, 1-based): chr8:41,708,775, T>G on the plus strand (A>C on the coding strand, the complement: ANK1 is on the minus strand). VCF-style: chr8-41708775-T-G. GRCh37 (hg19) VCF-style: chr8-41566293-T-G.
Other names: c.2097+3A>C (NM_001142446.2); c.1998+3A>C (NM_020477.3, NM_020475.3, NM_020476.3).
Identifiers: ClinVar variation 3728423 (VCV003728423.2).

ClinVar aggregate classification (germline): Uncertain significance (1 of 4 stars; one submission).

Submission:

Labcorp Genetics (formerly Invitae), Labcorp
Classification: Uncertain significance. Last evaluated: 2025-03-13. Review status: criteria provided, single submitter. Criteria: Invitae Variant Classification Sherloc (09022015). Collection method: clinical testing. Allele origin: germline.
Comment: This sequence change falls in intron 17 of the ANK1 gene. It does not directly change the encoded amino acid sequence of the ANK1 protein. It affects a nucleotide within the consensus splice site. This variant is not present in population databases (gnomAD no frequency). This variant has not been reported in the literature in individuals affected with ANK1-related conditions. Variants that disrupt the consensus splice site are a relatively common cause of aberrant splicing (PMID: 17576681, 9536098). Algorithms developed to predict the effect of sequence changes on RNA splicing suggest that this variant may disrupt the consensus splice site. In summary, the available evidence is currently insufficient to determine the role of this variant in disease. Therefore, it has been classified as a Variant of Uncertain Significance.

Literature cited by the submitters: PubMed 17576681; PubMed 9536098.